The following is an entry in ClinVar:

NM_001024630.4(RUNX2):c.1350del (p.Ser451fs)

Gene: RUNX2 (RUNX family transcription factor 2; plus strand). Cytogenetic location: 6p21.1.
Variant type: Deletion.
Coding change: c.1350del on transcript NM_001024630.4 (MANE Select); coding-DNA position 1350, one base deleted (G; older notation c.1350delG).
Protein change: p.Ser451fs; shifts the reading frame from serine 451.
Molecular consequence: frameshift variant.
Genome position (GRCh38, 1-based): chr6:45,547,089, G deleted. VCF-style (leftmost placement, unchanged base first): chr6-45547088-CG-C. GRCh37 (hg19) VCF-style: chr6-45514825-CG-C.
Other names: c.1284del, p.Ser429fs (NM_001015051.4); c.1242del, p.Ser415fs (NM_001278478.2); c.1308del, p.Ser437fs (NM_001369405.1); c.1308delG, p.Ser437Glnfs (NM_004348.3); short protein forms S415fs, S429fs, S437fs, S451fs.
Identifiers: ClinVar variation 2092097 (VCV002092097.4), dbSNP rs2481025165, ClinGen allele CA2580074693.

ClinVar aggregate classification (germline): Pathogenic (1 of 4 stars; one submission).

Submission:

Labcorp Genetics (formerly Invitae), Labcorp
Classification: Pathogenic. Last evaluated: 2022-02-02. Review status: criteria provided, single submitter. Criteria: Invitae Variant Classification Sherloc (09022015). Collection method: clinical testing. Allele origin: germline.
Comment: This variant is not present in population databases (gnomAD no frequency). This variant has not been reported in the literature in individuals affected with RUNX2-related conditions. This variant disrupts a region of the RUNX2 protein in which other variant(s) (p.Gly462*) have been determined to be pathogenic (PMID: 28703881; Invitae). This suggests that this is a clinically significant region of the protein, and that variants that disrupt it are likely to be disease-causing. For these reasons, this variant has been classified as Pathogenic. This sequence change creates a premature translational stop signal (p.Ser451Glnfs*33) in the RUNX2 gene. While this is not anticipated to result in nonsense mediated decay, it is expected to disrupt the last 71 amino acid(s) of the RUNX2 protein.

Literature cited by the submitters: PubMed 28703881.